The following is an entry in ClinVar:

ClinVar aggregate classification (germline): Uncertain significance (1 of 4 stars; one submission).

Conditions:
Symmetrical dyschromatosis of extremities (DSH). Also called: RETICULATE ACROPIGMENTATION OF DOHI; DYSCHROMATOSIS SYMMETRICA HEREDITARIA 1; SYMMETRIC DYSCHROMATOSIS OF THE EXTREMITIES; Dyschromatosis symmetrica hereditaria. Identifiers: Orphanet 41, MedGen C0406775, MONDO:0007483, OMIM 127400.
Aicardi-Goutieres syndrome 6 (AGS6). Identifiers: Orphanet 51, MedGen C3539013, MONDO:0014007, OMIM 615010.

Allele frequency attached by ClinVar (database versions not stated): gnomAD exomes below 0.00001; gnomAD 0.00001.
gnomAD v4.1: 4 of 1,613,982 alleles (0.00025%); highest among the groups gnomAD compares: South Asian, 0.0011%; no homozygotes.

Submission:

Labcorp Genetics (formerly Invitae), Labcorp
Classification: Uncertain significance for Aicardi-Goutieres syndrome 6; Symmetrical dyschromatosis of extremities. Last evaluated: 2023-07-14. Review status: criteria provided, single submitter. Criteria: Invitae Variant Classification Sherloc (09022015). Collection method: clinical testing. Allele origin: germline.
Comment: In summary, the available evidence is currently insufficient to determine the role of this variant in disease. Therefore, it has been classified as a Variant of Uncertain Significance. Advanced modeling of protein sequence and biophysical properties (such as structural, functional, and spatial information, amino acid conservation, physicochemical variation, residue mobility, and thermodynamic stability) has been performed at Invitae for this missense variant, however the output from this modeling did not meet the statistical confidence thresholds required to predict the impact of this variant on ADAR protein function. ClinVar contains an entry for this variant (Variation ID: 1466996). This variant has not been reported in the literature in individuals affected with ADAR-related conditions. This variant is present in population databases (no rsID available, gnomAD 0.007%). This sequence change replaces arginine, which is basic and polar, with cysteine, which is neutral and slightly polar, at codon 790 of the ADAR protein (p.Arg790Cys).

NM_001111.5(ADAR):c.2368C>T (p.Arg790Cys)

Gene: ADAR (adenosine deaminase RNA specific; minus strand). Cytogenetic location: 1q21.3.
Variant type: single nucleotide variant.
Coding change: c.2368C>T on transcript NM_001111.5 (MANE Select); coding-DNA position 2368, C replaced by T.
Protein change: p.Arg790Cys; replaces arginine 790 with cysteine.
Molecular consequence: missense variant.
Genome position (GRCh38, 1-based): chr1:154,590,312, G>A on the plus strand (C>T on the coding strand, the complement: ADAR is on the minus strand). VCF-style: chr1-154590312-G-A. GRCh37 (hg19) VCF-style: chr1-154562788-G-A.
Other names: c.1483C>T, p.Arg495Cys (NM_001025107.3, NM_001193495.2, NM_001365046.1 and 3 more transcripts); c.2395C>T, p.Arg799Cys (NM_001365045.1); c.2368C>T, p.Arg790Cys (NM_015840.4); c.2311C>T, p.Arg771Cys (NM_015841.4); short protein forms R495C, R771C, R799C, R790C.
Identifiers: ClinVar variation 1466996 (VCV001466996.6), dbSNP rs1429411421, ClinGen allele CA342637403.